The following is an entry in ClinVar:

NM_005428.4(VAV1):c.1579A>G (p.Thr527Ala)

Gene: VAV1 (vav guanine nucleotide exchange factor 1; plus strand). Cytogenetic location: 19p13.3.
Variant type: single nucleotide variant.
Coding change: c.1579A>G on transcript NM_005428.4 (MANE Select); coding-DNA position 1579, A replaced by G.
Protein change: p.Thr527Ala; replaces threonine 527 with alanine.
Molecular consequence: missense variant.
Genome position (GRCh38, 1-based): chr19:6,833,254, A>G. VCF-style: chr19-6833254-A-G. GRCh37 (hg19) VCF-style: chr19-6833265-A-G.
Other names: c.1579A>G, p.Thr527Ala (NM_001258206.2); c.1483A>G, p.Thr495Ala (NM_001258207.2); short protein forms T495A, T527A.
Identifiers: ClinVar variation 3684478 (VCV003684478.2).

ClinVar aggregate classification (germline): Uncertain significance (1 of 4 stars; one submission).

gnomAD v4.1: 2 of 1,613,372 alleles (0.00012%); highest among the groups gnomAD compares: Non-Finnish European, 0.00017%; no homozygotes.

Submission:

Labcorp Genetics (formerly Invitae), Labcorp
Classification: Uncertain significance. Last evaluated: 2025-01-07. Review status: criteria provided, single submitter. Criteria: Invitae Variant Classification Sherloc (09022015). Collection method: clinical testing. Allele origin: germline.
Comment: This sequence change replaces threonine, which is neutral and polar, with alanine, which is neutral and non-polar, at codon 527 of the VAV1 protein (p.Thr527Ala). This variant is present in population databases (no rsID available, gnomAD 0.0009%). This variant has not been reported in the literature in individuals affected with VAV1-related conditions. An algorithm developed to predict the effect of missense changes on protein structure and function outputs the following: PolyPhen-2: "Benign". The alanine amino acid residue is found in multiple mammalian species, which suggests that this missense change does not adversely affect protein function. In summary, the available evidence is currently insufficient to determine the role of this variant in disease. Therefore, it has been classified as a Variant of Uncertain Significance.